The following is an entry in ClinVar:

ClinVar aggregate classification (germline): Uncertain significance. Review status: criteria provided, multiple submitters, no conflicts (2 of 4 stars). 2 submissions from 2 submitters: Uncertain significance (2). Last evaluated 2025-01-29.

Conditions:
Autosomal recessive limb-girdle muscular dystrophy type 2J (LGMDR10). Also called: Limb-girdle muscular dystrophy, type 2J; MUSCULAR DYSTROPHY, LIMB-GIRDLE, AUTOSOMAL RECESSIVE 10. Identifiers: Orphanet 140922, MedGen C1837342, MONDO:0012127, OMIM 608807.
Dilated cardiomyopathy 1G (CMD1G). Identifiers: Orphanet 154, MedGen C1858763, MONDO:0011400, OMIM 604145.

Allele frequency attached by ClinVar (database versions not stated): ExAC 0.00001; gnomAD 0.00001; TOPMed 0.00001; gnomAD exomes 0.00002.
gnomAD v4.1: 21 of 1,612,546 alleles (0.0013%); highest among the groups gnomAD compares: Non-Finnish European, 0.0015%; no homozygotes.

Submissions (2):

GeneDx
Classification: Uncertain significance. Last evaluated: 2025-01-29. Review status: criteria provided, single submitter. Criteria: GeneDx Variant Classification Process June 2021. Collection method: clinical testing. Allele origin: germline. Affected: yes.
Comment: Not observed at significant frequency in large population cohorts (gnomAD); Missense variant in a gene in which most reported pathogenic variants are truncating/loss of function; Has not been previously published as pathogenic or benign to our knowledge

Labcorp Genetics (formerly Invitae), Labcorp
Classification: Uncertain significance for Dilated cardiomyopathy 1G; Autosomal recessive limb-girdle muscular dystrophy type 2J. Last evaluated: 2017-03-16. Review status: criteria provided, single submitter. Criteria: Invitae Variant Classification Sherloc (09022015). Collection method: clinical testing. Allele origin: germline.

NM_001267550.2(TTN):c.48545A>C (p.Asp16182Ala)

Genes: TTN-AS1 (TTN antisense RNA 1; plus strand), TTN (titin; minus strand). Cytogenetic location: 2q31.2.
Variant type: single nucleotide variant.
Coding change: c.48545A>C on transcript NM_001267550.2 (MANE Select); coding-DNA position 48545, A replaced by C.
Protein change: p.Asp16182Ala; replaces aspartic acid 16182 with alanine.
Molecular consequence: missense variant.
Genome position (GRCh38, 1-based): chr2:178,615,400, T>G on the plus strand (A>C on the coding strand, the complement: TTN is on the minus strand). VCF-style: chr2-178615400-T-G. GRCh37 (hg19) VCF-style: chr2-179480127-T-G.
Other names: c.48545A>C (NM_001267550.1); c.43622A>C, p.Asp14541Ala (NM_001256850.1); c.21350A>C, p.Asp7117Ala (NM_003319.4); c.40841A>C, p.Asp13614Ala (NM_133378.4); c.21725A>C, p.Asp7242Ala (NM_133432.3); c.21926A>C, p.Asp7309Ala (NM_133437.4); short protein forms D16182A, D7117A, D7242A, D13614A, D7309A, D14541A.
Identifiers: ClinVar variation 467203 (VCV000467203.4), dbSNP rs762913484, ClinGen allele CA1994793.